The following is an entry in ClinVar:

NM_005391.5(PDK3):c.49G>C (p.Glu17Gln)

Gene: PDK3 (pyruvate dehydrogenase kinase 3; plus strand). Cytogenetic location: Xp22.11.
Variant type: single nucleotide variant.
Coding change: c.49G>C on transcript NM_005391.5 (MANE Select); coding-DNA position 49, G replaced by C.
Protein change: p.Glu17Gln; replaces glutamic acid 17 with glutamine.
Molecular consequence: missense variant.
Genome position (GRCh38, 1-based): chrX:24,465,504, G>C. VCF-style: chrX-24465504-G-C. GRCh37 (hg19) VCF-style: chrX-24483621-G-C.
Other names: c.49G>C, p.Glu17Gln (NM_001142386.3); short protein forms E17Q.
Identifiers: ClinVar variation 1416871 (VCV001416871.8), dbSNP rs2148176569, ClinGen allele CA412603191.

ClinVar aggregate classification (germline): Uncertain significance (1 of 4 stars; one submission).

Conditions:
Charcot-Marie-Tooth disease X-linked dominant 6. Also called: CHARCOT-MARIE-TOOTH NEUROPATHY, X-LINKED DOMINANT, 6. Identifiers: Orphanet 352675, MedGen C3806702, MONDO:0010479, OMIM 300905.

Submission:

Labcorp Genetics (formerly Invitae), Labcorp
Classification: Uncertain significance for Charcot-Marie-Tooth disease X-linked dominant 6. Last evaluated: 2021-06-01. Review status: criteria provided, single submitter. Criteria: Invitae Variant Classification Sherloc (09022015). Collection method: clinical testing. Allele origin: germline.
Comment: In summary, the available evidence is currently insufficient to determine the role of this variant in disease. Therefore, it has been classified as a Variant of Uncertain Significance. Algorithms developed to predict the effect of missense changes on protein structure and function are either unavailable or do not agree on the potential impact of this missense change (SIFT: "Deleterious"; PolyPhen-2: "Benign"; Align-GVGD: "Class C0"). This variant has not been reported in the literature in individuals with PDK3-related conditions. This variant is not present in population databases (ExAC no frequency). This sequence change replaces glutamic acid with glutamine at codon 17 of the PDK3 protein (p.Glu17Gln). The glutamic acid residue is moderately conserved and there is a small physicochemical difference between glutamic acid and glutamine.